The following is an entry in ClinVar:

NM_018206.6(VPS35):c.1304G>A (p.Ser435Asn)

Gene: VPS35 (VPS35 retromer complex component; minus strand). Cytogenetic location: 16q11.2.
Variant type: single nucleotide variant.
Coding change: c.1304G>A on transcript NM_018206.6 (MANE Select); coding-DNA position 1304, G replaced by A.
Protein change: p.Ser435Asn; replaces serine 435 with asparagine.
Molecular consequence: missense variant.
Genome position (GRCh38, 1-based): chr16:46,672,329, C>T on the plus strand (G>A on the coding strand, the complement: VPS35 is on the minus strand). VCF-style: chr16-46672329-C-T. GRCh37 (hg19) VCF-style: chr16-46706241-C-T.
Other names: short protein forms S435N.
Identifiers: ClinVar variation 3017062 (VCV003017062.3), dbSNP rs1026974904, ClinGen allele CA280213089.

ClinVar aggregate classification (germline): Uncertain significance (1 of 4 stars; one submission).

Conditions:
Parkinson disease 17 (PARK17). Also called: VPS35-Related Parkinson Disease. Identifiers: Orphanet 411602, MedGen C3280133, MONDO:0013625, OMIM 614203.

Allele frequency attached by ClinVar (database versions not stated): gnomAD 0.00001; gnomAD exomes 0.00001; TOPMed 0.00002.
gnomAD v4.1: 19 of 1,613,702 alleles (0.0012%); highest among the groups gnomAD compares: Non-Finnish European, 0.0015%; no homozygotes.

Submission:

Labcorp Genetics (formerly Invitae), Labcorp
Classification: Uncertain significance for Parkinson disease 17. Last evaluated: 2023-08-11. Review status: criteria provided, single submitter. Criteria: Invitae Variant Classification Sherloc (09022015). Collection method: clinical testing. Allele origin: germline.
Comment: This sequence change replaces serine, which is neutral and polar, with asparagine, which is neutral and polar, at codon 435 of the VPS35 protein (p.Ser435Asn). This variant is present in population databases (no rsID available, gnomAD 0.002%). This variant has not been reported in the literature in individuals affected with VPS35-related conditions. Advanced modeling of protein sequence and biophysical properties (such as structural, functional, and spatial information, amino acid conservation, physicochemical variation, residue mobility, and thermodynamic stability) performed at Invitae indicates that this missense variant is not expected to disrupt VPS35 protein function. In summary, the available evidence is currently insufficient to determine the role of this variant in disease. Therefore, it has been classified as a Variant of Uncertain Significance.